The following is an entry in ClinVar:

ClinVar aggregate classification (germline): Uncertain significance (1 of 4 stars; one submission).

Conditions:
PKD2-related disorder. Also called: PKD2-related condition.

Submission:

PreventionGenetics, part of Exact Sciences
Classification: Uncertain significance for PKD2-related condition. Last evaluated: 2024-10-18. Review status: criteria provided, single submitter. Criteria: ACMG Guidelines, 2015. Collection method: clinical testing. Allele origin: germline.
Comment: The PKD2 c.2633G>C variant is predicted to result in the amino acid substitution p.Arg878Thr. To our knowledge, this variant has not been reported in the literature or in a large population database (gnomAD), indicating this variant is rare. At this time, the clinical significance of this variant is uncertain due to the absence of conclusive functional and genetic evidence.

NM_000297.4(PKD2):c.2633G>C (p.Arg878Thr)

Gene: PKD2 (polycystin 2, transient receptor potential cation channel; plus strand). Cytogenetic location: 4q22.1.
Variant type: single nucleotide variant.
Coding change: c.2633G>C on transcript NM_000297.4 (MANE Select); coding-DNA position 2633, G replaced by C.
Protein change: p.Arg878Thr; replaces arginine 878 with threonine.
Molecular consequence: missense variant. On other transcripts: non-coding transcript variant (1).
Genome position (GRCh38, 1-based): chr4:88,074,922, G>C. VCF-style: chr4-88074922-G-C. GRCh37 (hg19) VCF-style: chr4-88996074-G-C.
Other names: c.2408G>C, p.Arg803Thr (NM_001440544.1); short protein forms R803T, R878T.
Identifiers: ClinVar variation 4987278 (VCV004987278.1).